The following is an entry in ClinVar:

ClinVar aggregate classification (germline): Uncertain significance (0 of 4 stars; one submission).

Conditions:
TBK1-related disorder. Also called: TBK1-related condition.

Allele frequency attached by ClinVar (database versions not stated): gnomAD exomes below 0.00001; TOPMed below 0.00001.
gnomAD v4.1: 3 of 1,613,514 alleles (0.00019%); highest among the groups gnomAD compares: Non-Finnish European, 0.00025%; no homozygotes.

Submission:

PreventionGenetics, part of Exact Sciences
Classification: Uncertain significance for TBK1-related condition. Last evaluated: 2024-01-16. Review status: no assertion criteria provided. Collection method: clinical testing. Allele origin: germline.
Comment: The TBK1 c.67G>A variant is predicted to result in the amino acid substitution p.Val23Ile. This variant was reported in a study of individuals with sporadic amyotrophic lateral sclerosis (ALS) (Tohnai et al. 2018. PubMed ID: 29398122). This variant has not been reported in a large population database, indicating this variant is rare. At this time, the clinical significance of this variant is uncertain due to the absence of conclusive functional and genetic evidence.

NM_013254.4(TBK1):c.67G>A (p.Val23Ile)

Gene: TBK1 (TANK binding kinase 1; plus strand). Cytogenetic location: 12q14.2.
Variant type: single nucleotide variant.
Coding change: c.67G>A on transcript NM_013254.4 (MANE Select); coding-DNA position 67, G replaced by A.
Protein change: p.Val23Ile; replaces valine 23 with isoleucine.
Molecular consequence: missense variant.
Genome position (GRCh38, 1-based): chr12:64,455,937, G>A. VCF-style: chr12-64455937-G-A. GRCh37 (hg19) VCF-style: chr12-64849717-G-A.
Other names: short protein forms V23I.
Identifiers: ClinVar variation 3034103 (VCV003034103.2), dbSNP rs1157085287, ClinGen allele CA385593083.